The following is an entry in ClinVar:

NM_001035.3(RYR2):c.6784C>G (p.Leu2262Val)

Gene: RYR2 (ryanodine receptor 2; plus strand). Cytogenetic location: 1q43.
Variant type: single nucleotide variant.
Coding change: c.6784C>G on transcript NM_001035.3 (MANE Select); coding-DNA position 6784, C replaced by G.
Protein change: p.Leu2262Val; replaces leucine 2262 with valine.
Molecular consequence: missense variant.
Genome position (GRCh38, 1-based): chr1:237,634,984, C>G. VCF-style: chr1-237634984-C-G. GRCh37 (hg19) VCF-style: chr1-237798284-C-G.
Other names: short protein forms L2262V.
Identifiers: ClinVar variation 4811727 (VCV004811727.1).

ClinVar aggregate classification (germline): Uncertain significance (1 of 4 stars; one submission).

Conditions:
Catecholaminergic polymorphic ventricular tachycardia 1. Also called: VENTRICULAR TACHYCARDIA, STRESS-INDUCED POLYMORPHIC 1; VENTRICULAR TACHYCARDIA, CATECHOLAMINERGIC POLYMORPHIC, 1, WITH OR WITHOUT ATRIAL DYSFUNCTION AND/OR DILATED CARDIOMYOPATHY; RYR2-Related Catecholaminergic Polymorphic Ventricular Tachycardia. Identifiers: Orphanet 3286, MedGen C1631597, MONDO:0011484, OMIM 604772.

gnomAD v4.1: 3 of 1,590,162 alleles (0.00019%); highest among the groups gnomAD compares: Admixed American, 0.0035%; no homozygotes.

Submission:

Labcorp Genetics (formerly Invitae), Labcorp
Classification: Uncertain significance for Catecholaminergic polymorphic ventricular tachycardia 1. Last evaluated: 2025-04-29. Review status: criteria provided, single submitter. Criteria: Invitae Variant Classification Sherloc (09022015). Collection method: clinical testing. Allele origin: germline.
Comment: This sequence change replaces leucine, which is neutral and non-polar, with valine, which is neutral and non-polar, at codon 2262 of the RYR2 protein (p.Leu2262Val). This variant is present in population databases (rs780524488, gnomAD 0.007%). This variant has not been reported in the literature in individuals affected with RYR2-related conditions. Invitae Evidence Modeling of protein sequence and biophysical properties (such as structural, functional, and spatial information, amino acid conservation, physicochemical variation, residue mobility, and thermodynamic stability) indicates that this missense variant is expected to disrupt RYR2 protein function with a positive predictive value of 95%. In summary, the available evidence is currently insufficient to determine the role of this variant in disease. Therefore, it has been classified as a Variant of Uncertain Significance.